The following is an entry in ClinVar:

ClinVar aggregate classification (germline): Pathogenic (1 of 4 stars; one submission).

Submission:

Labcorp Genetics (formerly Invitae), Labcorp
Classification: Pathogenic. Last evaluated: 2023-06-06. Review status: criteria provided, single submitter. Criteria: Invitae Variant Classification Sherloc (09022015). Collection method: clinical testing. Allele origin: germline.
Comment: For these reasons, this variant has been classified as Pathogenic. This variant disrupts a region of the ASXL1 protein in which other variant(s) (p.Glu1400*) have been determined to be pathogenic (PMID: 31969346). This suggests that this is a clinically significant region of the protein, and that variants that disrupt it are likely to be disease-causing. This variant has not been reported in the literature in individuals affected with ASXL1-related conditions. This variant is not present in population databases (gnomAD no frequency). This sequence change creates a premature translational stop signal (p.Asp820Metfs*4) in the ASXL1 gene. While this is not anticipated to result in nonsense mediated decay, it is expected to disrupt the last 722 amino acid(s) of the ASXL1 protein.

Literature cited by the submitters: PubMed 31969346.

NM_015338.6(ASXL1):c.2457del (p.Asp820fs)

Gene: ASXL1 (ASXL transcriptional regulator 1; plus strand). Cytogenetic location: 20q11.21.
Variant type: Deletion.
Coding change: c.2457del on transcript NM_015338.6 (MANE Select); coding-DNA position 2457, one base deleted (A; older notation c.2457delA).
Protein change: p.Asp820fs; shifts the reading frame from aspartic acid 820.
Molecular consequence: frameshift variant.
Genome position (GRCh38, 1-based): chr20:32,435,169, A deleted. VCF-style (leftmost placement, unchanged base first): chr20-32435168-GA-G. GRCh37 (hg19) VCF-style: chr20-31022971-GA-G.
Other names: c.2274del, p.Asp759fs (NM_001363734.1); short protein forms D759fs, D820fs.
Identifiers: ClinVar variation 2695817 (VCV002695817.3), dbSNP rs2515564558, ClinGen allele CA2697547344.
Genomic context (GRCh38, chr20:32,435,168, plus strand): 5'-ATGATGAGGAGCAAGGACCCACCGTTCCTGCAGACAATGGTCCCATTCCGTCTCTAGTGG[GA>G]GATGATACATTAGAGAAAGGAACTGGCCAAGCTCTTGACAGTCATCCCACTATGAAGGAT-3'